The following is an entry in ClinVar:

ClinVar aggregate classification (germline): Benign (1 of 4 stars; one submission).

Allele frequency attached by ClinVar (database versions not stated): 1000 Genomes Project 30x 0.06152; 1000 Genomes Project 0.06230; TOPMed 0.08149; gnomAD 0.08269 and 0.08351.

Submission:

GeneDx
Classification: Benign. Last evaluated: 2018-06-16. Review status: criteria provided, single submitter. Criteria: GeneDx Variant Classification (06012015). Collection method: clinical testing. Allele origin: germline. Affected: yes.
Comment: This variant is considered likely benign or benign based on one or more of the following criteria: it is a conservative change, it occurs at a poorly conserved position in the protein, it is predicted to be benign by multiple in silico algorithms, and/or has population frequency not consistent with disease.

NM_033109.5(PNPT1):c.297+233del

Gene: PNPT1 (polyribonucleotide nucleotidyltransferase 1; minus strand). Cytogenetic location: 2p16.1.
Variant type: Deletion.
Coding change: c.297+233del on transcript NM_033109.5 (MANE Select); 233 bases into the intron after coding-DNA position 297, one base deleted (A; older notation c.297+233delA).
Molecular consequence: intron variant.
Genome position (GRCh38, 1-based): chr2:55,686,137, T deleted on the plus strand (A on the coding strand, the reverse complement: PNPT1 is on the minus strand). VCF-style (leftmost placement, unchanged base first): chr2-55686136-AT-A. GRCh37 (hg19) VCF-style: chr2-55913271-AT-A.
Identifiers: ClinVar variation 671575 (VCV000671575.1), dbSNP rs35071585, ClinGen allele CA47666309.
Genomic context (GRCh38, chr2:55,686,136, plus strand): 5'-GAAACTATGAGGGCAATGAATTCATTGCTTATTCAATGTCAAAGTACTCATGCACTTCCA[AT>A]CTTCTTGTCAACTTACGCACCTGGACGTTCCAAATTCTAAAGTATGCTTAATCCTAGTAT-3'